The following is an entry in ClinVar:

NM_014014.5(SNRNP200):c.386G>A (p.Arg129His)

Gene: SNRNP200 (small nuclear ribonucleoprotein U5 subunit 200; minus strand). Cytogenetic location: 2q11.2.
Variant type: single nucleotide variant.
Coding change: c.386G>A on transcript NM_014014.5 (MANE Select); coding-DNA position 386, G replaced by A.
Protein change: p.Arg129His; replaces arginine 129 with histidine.
Molecular consequence: missense variant.
Genome position (GRCh38, 1-based): chr2:96,301,712, C>T on the plus strand (G>A on the coding strand, the complement: SNRNP200 is on the minus strand). VCF-style: chr2-96301712-C-T. GRCh37 (hg19) VCF-style: chr2-96967450-C-T.
Other names: short protein forms R129H.
Identifiers: ClinVar variation 2990304 (VCV002990304.3), dbSNP rs901180215, ClinGen allele CA52406507.
Genomic context (GRCh38, chr2:96,301,712, plus strand): 5'-CGCAGCTTTTCATTCTTTAGAACAGCTAGAACTTCATCAGCTGCCCCACAAAGGATATCA[C>T]GTGGCTGGTGGCAAGAAACAACCAACCAATATTGAGAACGACGACAGGCAAAACATCTTC-3'
Protein context (NP_054733.2, residues 119-139): FIQAALGDQP[Arg129His]DILCGAADEV

ClinVar aggregate classification (germline): Uncertain significance (1 of 4 stars; one submission).

Submission:

Labcorp Genetics (formerly Invitae), Labcorp
Classification: Uncertain significance. Last evaluated: 2023-06-14. Review status: criteria provided, single submitter. Criteria: Invitae Variant Classification Sherloc (09022015). Collection method: clinical testing. Allele origin: germline.
Comment: This sequence change replaces arginine, which is basic and polar, with histidine, which is basic and polar, at codon 129 of the SNRNP200 protein (p.Arg129His). This variant is not present in population databases (gnomAD no frequency). This variant has not been reported in the literature in individuals affected with SNRNP200-related conditions. Advanced modeling of protein sequence and biophysical properties (such as structural, functional, and spatial information, amino acid conservation, physicochemical variation, residue mobility, and thermodynamic stability) has been performed at Invitae for this missense variant, however the output from this modeling did not meet the statistical confidence thresholds required to predict the impact of this variant on SNRNP200 protein function. In summary, the available evidence is currently insufficient to determine the role of this variant in disease. Therefore, it has been classified as a Variant of Uncertain Significance.